The following is an entry in ClinVar:

NM_005216.5(DDOST):c.646-11T>A

Gene: DDOST (dolichyl-diphosphooligosaccharide--protein glycosyltransferase non-catalytic subunit; minus strand). Cytogenetic location: 1p36.12.
Variant type: single nucleotide variant.
Coding change: c.646-11T>A on transcript NM_005216.5 (MANE Select); 11 bases into the intron before coding-DNA position 646, T replaced by A.
Molecular consequence: intron variant.
Genome position (GRCh38, 1-based): chr1:20,654,382, A>T on the plus strand (T>A on the coding strand, the complement: DDOST is on the minus strand). VCF-style: chr1-20654382-A-T. GRCh37 (hg19) VCF-style: chr1-20980875-A-T.
Identifiers: ClinVar variation 3638181 (VCV003638181.2).
Genomic context (GRCh38, chr1:20,654,382, plus strand): 5'-GCCTGGAGCCCAGCAATGAGGAGGGTGTTCTTCCCCACCGCATGTGGATACTGGGAACAA[A>T]ACGAGGCTGTGACCCAAGCAGTTCCAAGTAAGGGAAAAGCTGCCACGCCTCCCGAACAAG-3'

ClinVar aggregate classification (germline): Uncertain significance (1 of 4 stars; one submission).

Conditions:
Congenital disorder of glycosylation type Ir (CDG1R). Also called: DDOST-congenital disorder of glycosylation. Identifiers: Orphanet 300536, MedGen C3281084, MONDO:0013789, OMIM 614507.

Submission:

Labcorp Genetics (formerly Invitae), Labcorp
Classification: Uncertain significance for Congenital disorder of glycosylation type Ir. Last evaluated: 2024-10-30. Review status: criteria provided, single submitter. Criteria: Invitae Variant Classification Sherloc (09022015). Collection method: clinical testing. Allele origin: germline.
Comment: This sequence change falls in intron 6 of the DDOST gene. It does not directly change the encoded amino acid sequence of the DDOST protein. This variant is not present in population databases (gnomAD no frequency). This variant has not been reported in the literature in individuals affected with DDOST-related conditions. Algorithms developed to predict the effect of sequence changes on RNA splicing suggest that this variant may create or strengthen a splice site. In summary, the available evidence is currently insufficient to determine the role of this variant in disease. Therefore, it has been classified as a Variant of Uncertain Significance.